The following is an entry in ClinVar:

ClinVar aggregate classification (germline): Benign. Review status: criteria provided, multiple submitters, no conflicts (2 of 4 stars). 14 submissions from 14 submitters: Benign (11). 3 of the submissions do not count toward it. Last evaluated 2026-02-04.

Conditions:
Cerebroretinal microangiopathy with calcifications and cysts 1 (CRMCC1). Identifiers: Orphanet 313838, MedGen C4552029, MONDO:0024564, OMIM 612199.
Dyskeratosis congenita. Identifiers: Orphanet 1775, MedGen C0265965, MONDO:0015780.

Allele frequency attached by ClinVar (database versions not stated): 1000 Genomes Project 0.66354; 1000 Genomes Project 30x 0.67427; gnomAD exomes 0.73713 and 0.79270; TOPMed 0.74982; ExAC 0.75086; gnomAD 0.76933 and 0.77529; ESP Exome Variant Server 0.80087.
gnomAD v4.1: 1,271,290 of 1,610,584 alleles (79%); highest among the groups gnomAD compares: Non-Finnish European, 82%; 509,041 homozygotes.

Submissions (14):

Labcorp Genetics (formerly Invitae), Labcorp
Classification: Benign for Dyskeratosis congenita. Last evaluated: 2026-02-04. Review status: criteria provided, single submitter. Criteria: Invitae Variant Classification Sherloc (09022015). Collection method: clinical testing. Allele origin: germline.

ARUP Laboratories, Molecular Genetics and Genomics, ARUP Laboratories
Classification: Benign for Cerebroretinal microangiopathy with calcifications and cysts 1. Last evaluated: 2025-07-28. Review status: criteria provided, single submitter. Criteria: ARUP Molecular Germline Variant Investigation Process 2024. Collection method: clinical testing. Allele origin: germline.

Blueprint Genetics
Classification: Benign. Last evaluated: 2024-11-28. Review status: criteria provided, single submitter. Criteria: ACMG Guidelines, 2015. Collection method: clinical testing. Allele origin: germline.

Mayo Clinic Laboratories, Mayo Clinic
Classification: Benign. Last evaluated: 2024-07-15. Review status: criteria provided, single submitter. Criteria: ACMG Guidelines, 2015. Collection method: clinical testing. Allele origin: germline. Observed: 972 variant alleles.
Comment: BA1_strong, BS2, BP4

Unidad de Genómica Garrahan, Hospital de Pediatría Garrahan
Classification: Benign. Last evaluated: 2024-01-24. Review status: criteria provided, single submitter. Criteria: ACMG Guidelines, 2015. Collection method: clinical testing. Allele origin: germline. Affected: no. Observed: 81 variant alleles.
Comment: This variant is classified as Benign based on local population frequency. This variant was detected in 85% of patients studied by a panel of primary immunodeficiencies. Number of patients: 81. Only high quality variants are reported.

Genome-Nilou Lab
Classification: Benign for Cerebroretinal microangiopathy with calcifications and cysts 1. Last evaluated: 2021-07-30. Review status: criteria provided, single submitter. Criteria: ACMG Guidelines, 2015. Collection method: clinical testing. Allele origin: germline. Affected: no.

GeneDx
Classification: Benign. Last evaluated: 2018-11-10. Review status: criteria provided, single submitter. Criteria: GeneDx Variant Classification Process June 2021. Collection method: clinical testing. Allele origin: germline. Affected: yes.

Illumina Laboratory Services, Illumina
Classification: Benign for Dyskeratosis congenita. Last evaluated: 2018-01-13. Review status: criteria provided, single submitter. Criteria: ICSL Variant Classification Criteria 13 December 2019. Collection method: clinical testing. Allele origin: germline.
Comment: This variant was observed in the ICSL laboratory as part of a predisposition screen in an ostensibly healthy population. It had not been previously curated by ICSL or reported in the Human Gene Mutation Database (HGMD: prior to June 1st, 2018), and was therefore a candidate for classification through an automated scoring system. Utilizing variant allele frequency, disease prevalence and penetrance estimates, and inheritance mode, an automated score was calculated to assess if this variant is too frequent to cause the disease. Based on the score and internal cut-off values, a variant classified as benign is not then subjected to further curation. The score for this variant resulted in a classification of benign for this disease.

Laboratory for Molecular Medicine, Mass General Brigham Personalized Medicine
Classification: Benign. Last evaluated: 2016-03-29. Review status: criteria provided, single submitter. Criteria: ACMG Guidelines, 2015. Collection method: clinical testing. Allele origin: germline.
Comment: Disclaimer: This variant has not undergone full assessment. The following are preliminary notes: Frequency

Breakthrough Genomics
Classification: Benign. Review status: criteria provided, single submitter. Criteria: ACMG Guidelines, 2015. Collection method: not provided. Allele origin: germline. Inheritance: Autosomal recessive inheritance. Affected: yes.

PreventionGenetics, part of Exact Sciences
Classification: Benign. Review status: criteria provided, single submitter. Criteria: ACMG Guidelines, 2015. Collection method: clinical testing. Allele origin: germline.

Diagnostic Laboratory, Department of Genetics, University Medical Center Groningen
Classification: Benign. Review status: no assertion criteria provided. Collection method: clinical testing. Allele origin: germline. Affected: yes. Study: VKGL Data-share Consensus. Not counted in ClinVar's aggregate classification.

Genetic Services Laboratory, University of Chicago
Classification: Likely benign for AllHighlyPenetrant. Review status: no assertion criteria provided. Collection method: clinical testing. Allele origin: germline. Inheritance: Autosomal recessive inheritance. Not counted in ClinVar's aggregate classification.
Comment: Likely benign based on allele frequency in 1000 Genomes Project or ESP global frequency and its presence in a patient with a rare or unrelated disease phenotype. NOT Sanger confirmed.

Joint Genome Diagnostic Labs from Nijmegen and Maastricht, Radboudumc and MUMC+
Classification: Benign. Review status: no assertion criteria provided. Collection method: clinical testing. Allele origin: germline. Affected: yes. Study: VKGL Data-share Consensus. Not counted in ClinVar's aggregate classification.

NM_025099.6(CTC1):c.3013A>G (p.Ile1005Val)

Gene: CTC1 (CST telomere replication complex component 1; minus strand). Cytogenetic location: 17p13.1.
Variant type: single nucleotide variant.
Coding change: c.3013A>G on transcript NM_025099.6 (MANE Select); coding-DNA position 3013, A replaced by G.
Protein change: p.Ile1005Val; replaces isoleucine 1005 with valine.
Molecular consequence: missense variant. On other transcripts: non-coding transcript variant (1).
Genome position (GRCh38, 1-based): chr17:8,229,445, T>C on the plus strand (A>G on the coding strand, the complement: CTC1 is on the minus strand). VCF-style: chr17-8229445-T-C. GRCh37 (hg19) VCF-style: chr17-8132763-T-C.
Other names: short protein forms I1005V.
Identifiers: ClinVar variation 128861 (VCV000128861.42), dbSNP rs3826543, ClinGen allele CA152515.